The following is an entry in ClinVar:

NM_181672.3(OGT):c.349C>T (p.Arg117Cys)

Gene: OGT (O-linked N-acetylglucosamine (GlcNAc) transferase; plus strand). Cytogenetic location: Xq13.1.
Variant type: single nucleotide variant.
Coding change: c.349C>T on transcript NM_181672.3 (MANE Select); coding-DNA position 349, C replaced by T.
Protein change: p.Arg117Cys; replaces arginine 117 with cysteine.
Molecular consequence: missense variant.
Genome position (GRCh38, 1-based): chrX:71,537,959, C>T. VCF-style: chrX-71537959-C-T. GRCh37 (hg19) VCF-style: chrX-70757809-C-T.
Other names: c.319C>T, p.Arg107Cys (NM_181673.3); short protein forms R107C, R117C.
Identifiers: ClinVar variation 638525 (VCV000638525.6), dbSNP rs1317050680, ClinGen allele CA413536664.
Genomic context (GRCh38, chrX:71,537,959, plus strand): 5'-AATGTGTACAAGGAAAGAGGGCAGTTGCAGGAGGCAATTGAGCATTATCGACATGCATTG[C>T]GTCTCAAACCTGATTTCATCGATGGTTATATTAACCTGGCAGCCGCCTTGGTAGCAGCGG-3'
Protein context (NP_858058.1, residues 107-127): EAIEHYRHAL[Arg117Cys]LKPDFIDGYI

ClinVar aggregate classification (germline): Uncertain significance. Review status: criteria provided, multiple submitters, no conflicts (2 of 4 stars). 2 submissions from 2 submitters: Uncertain significance (2). Last evaluated 2026-03-23.

Conditions:
Intellectual developmental disorder, X-linked 106. Also called: Mental retardation, X-linked 106; Intellectual disability, X-linked 106. Identifiers: MedGen C4478379, MONDO:0030907, OMIM 300997.

Allele frequency attached by ClinVar (database versions not stated): gnomAD exomes 0.00001.
gnomAD v4.1: 6 of 1,211,670 alleles (0.0005%); highest among the groups gnomAD compares: Middle Eastern, 0.023%; no homozygotes.

Submissions (2):

GeneDx
Classification: Uncertain significance. Last evaluated: 2026-03-23. Review status: criteria provided, single submitter. Criteria: GeneDx Variant Classification Process June 2021. Collection method: clinical testing. Allele origin: germline. Affected: yes.
Comment: In silico analysis supports that this missense variant has a deleterious effect on protein structure/function; Has not been previously published as pathogenic or benign to our knowledge

Genomic Research Center, Shahid Beheshti University of Medical Sciences
Classification: Uncertain significance for MENTAL RETARDATION, X-LINKED 106. Last evaluated: 2019-04-27. Review status: criteria provided, single submitter. Criteria: ACMG Guidelines, 2015. Collection method: clinical testing. Allele origin: unknown. Affected: yes.